The following is an entry in ClinVar:

NM_000143.4(FH):c.505C>T (p.Leu169Phe)

Gene: FH (fumarate hydratase; minus strand). Cytogenetic location: 1q43.
Variant type: single nucleotide variant.
Coding change: c.505C>T on transcript NM_000143.4 (MANE Select); coding-DNA position 505, C replaced by T.
Protein change: p.Leu169Phe; replaces leucine 169 with phenylalanine.
Molecular consequence: missense variant.
Genome position (GRCh38, 1-based): chr1:241,512,017, G>A on the plus strand (C>T on the coding strand, the complement: FH is on the minus strand). VCF-style: chr1-241512017-G-A. GRCh37 (hg19) VCF-style: chr1-241675317-G-A.
Other names: short protein forms L169F.
Identifiers: ClinVar variation 3278743 (VCV003278743.2).

ClinVar aggregate classification (germline): Uncertain significance (1 of 4 stars; one submission).

Conditions:
Hereditary cancer-predisposing syndrome. Also called: Neoplastic Syndromes, Hereditary; Tumor predisposition; Hereditary Cancer Syndrome; Hereditary neoplastic syndrome. Identifiers: Orphanet 140162, MedGen C0027672, MeSH D009386, MONDO:0015356.

gnomAD v4.1: 4 of 1,613,916 alleles (0.00025%); highest among the groups gnomAD compares: Non-Finnish European, 0.00034%; no homozygotes.

Submission:

Ambry Genetics
Classification: Uncertain significance for Hereditary cancer-predisposing syndrome. Last evaluated: 2026-08-14. Review status: criteria provided, single submitter. Criteria: Ambry Variant Classification Scheme 2023. Collection method: clinical testing. Allele origin: germline.
Comment: The p.L169F variant (also known as c.505C>T), located in coding exon 4 of the FH gene, results from a C to T substitution at nucleotide position 505. The leucine at codon 169 is replaced by phenylalanine, an amino acid with highly similar properties. This amino acid position is highly conserved in available vertebrate species. In addition, this alteration is predicted to be deleterious by in silico analysis. Based on the available evidence, the clinical significance of this variant remains unclear.